The following is an entry in ClinVar:

ClinVar aggregate classification (germline): Uncertain significance (1 of 4 stars; one submission).

Submission:

GeneDx
Classification: Uncertain significance. Last evaluated: 2022-02-23. Review status: criteria provided, single submitter. Criteria: GeneDx Variant Classification Process June 2021. Collection method: clinical testing. Allele origin: germline. Affected: yes.
Comment: Not observed at significant frequency in large population cohorts (gnomAD); In silico analysis supports that this missense variant does not alter protein structure/function; Has not been previously published as pathogenic or benign to our knowledge

NM_007327.4(GRIN1):c.1579A>C (p.Ile527Leu)

Gene: GRIN1 (glutamate ionotropic receptor NMDA type subunit 1; plus strand). Cytogenetic location: 9q34.3.
Variant type: single nucleotide variant.
Coding change: c.1579A>C on transcript NM_007327.4 (MANE Select); coding-DNA position 1579, A replaced by C.
Protein change: p.Ile527Leu; replaces isoleucine 527 with leucine.
Molecular consequence: missense variant.
Genome position (GRCh38, 1-based): chr9:137,162,035, A>C. VCF-style: chr9-137162035-A-C. GRCh37 (hg19) VCF-style: chr9-140056487-A-C.
Other names: c.1579A>C, p.Ile527Leu (NM_000832.7, NM_021569.4); c.1642A>C, p.Ile548Leu (NM_001185090.2, NM_001185091.2); short protein forms I527L, I548L.
Identifiers: ClinVar variation 1343017 (VCV001343017.2), dbSNP rs2131296416, ClinGen allele CA375717416.